The following is an entry in ClinVar:

NM_000368.5(TSC1):c.2640del (p.Met880fs)

Gene: TSC1 (TSC complex subunit 1; minus strand). Cytogenetic location: 9q34.13.
Variant type: Deletion.
Coding change: c.2640del on transcript NM_000368.5 (MANE Select); coding-DNA position 2640, one base deleted (G; older notation c.2640delG).
Protein change: p.Met880fs; shifts the reading frame from methionine 880.
Molecular consequence: frameshift variant.
Genome position (GRCh38, 1-based): chr9:132,897,596, C deleted on the plus strand (G on the coding strand, the reverse complement: TSC1 is on the minus strand). VCF-style (leftmost placement, unchanged base first): chr9-132897595-TC-T. GRCh37 (hg19) VCF-style: chr9-135772982-TC-T.
Other names: c.2637del, p.Met879fs (NM_001162426.2); c.2487del, p.Met829fs (NM_001162427.2); c.2277del, p.Met759fs (NM_001362177.2); short protein forms M759fs, M829fs, M879fs, M880fs.
Identifiers: ClinVar variation 817599 (VCV000817599.1), dbSNP rs1588291118, ClinGen allele CA915947225.

ClinVar aggregate classification (germline): Pathogenic (1 of 4 stars; one submission).

Submission:

GeneDx
Classification: Pathogenic. Last evaluated: 2019-01-25. Review status: criteria provided, single submitter. Criteria: GeneDx Variant Classification (06012015). Collection method: clinical testing. Allele origin: germline. Affected: yes.
Comment: The c.2640delG pathogenic variant in the TSC1 gene has been reported previously in an individual with a clinical diagnosis of tuberous sclerosis complex (TSC1 LOVD). This variant causes a frameshift starting with codon Methionine 880, changes this amino acid to a Isoleucine residue and creates a premature Stop codon at position 9 of the new reading frame, denoted p.Met880IlefsX9. This pathogenic variant is predicted to cause loss of normal protein function either through protein truncation or nonsense-mediated mRNA decay. Furthermore, the c.2640delG variant is not observed in large population cohorts (Lek et al., 2016). Therefore, the c.2640delG variant is considered a pathogenic variant.